The following is an entry in ClinVar:

ClinVar aggregate classification (germline): Benign (1 of 4 stars; one submission).

Allele frequency attached by ClinVar (database versions not stated): gnomAD 0.01260; 1000 Genomes Project 30x 0.01359; ESP Exome Variant Server 0.01938; 1000 Genomes Project 0.03015; gnomAD exomes 0.00311; ExAC 0.00579.
gnomAD v4.1: 5,593 of 1,473,696 alleles (0.38%); highest among the groups gnomAD compares: African/African-American, 1.3%; 60 homozygotes.

Submission:

CeGaT Center for Human Genetics Tuebingen
Classification: Benign. Last evaluated: 2023-07-01. Review status: criteria provided, single submitter. Criteria: CeGaT Center For Human Genetics Tuebingen Variant Classification Criteria Version 2. Collection method: clinical testing. Allele origin: germline. Affected: yes. Observed: 1 variant allele.
Comment: MDC1: BP4, BS1, BS2

NM_014641.3(MDC1):c.3896G>A (p.Arg1299Gln)

Genes: MDC1 (mediator of DNA damage checkpoint 1; minus strand), MDC1-AS1 (MDC1 antisense RNA 1; plus strand). Cytogenetic location: 6p21.33.
Variant type: single nucleotide variant.
Coding change: c.3896G>A on transcript NM_014641.3 (MANE Select); coding-DNA position 3896, G replaced by A.
Protein change: p.Arg1299Gln; replaces arginine 1299 with glutamine.
Molecular consequence: missense variant.
Genome position (GRCh38, 1-based): chr6:30,705,287, C>T on the plus strand (G>A on the coding strand, the complement: MDC1 is on the minus strand). VCF-style: chr6-30705287-C-T. GRCh37 (hg19) VCF-style: chr6-30673064-C-T.
Other names: short protein forms R1299Q.
Identifiers: ClinVar variation 2656341 (VCV002656341.24), dbSNP rs144657716, ClinGen allele CA3702707.